The following is an entry in ClinVar:

NM_001130987.2(DYSF):c.5651T>C (p.Ile1884Thr)

Gene: DYSF (dysferlin; plus strand). Cytogenetic location: 2p13.2.
Variant type: single nucleotide variant.
Coding change: c.5651T>C on transcript NM_001130987.2 (MANE Select); coding-DNA position 5651, T replaced by C.
Protein change: p.Ile1884Thr; replaces isoleucine 1884 with threonine.
Molecular consequence: missense variant.
Genome position (GRCh38, 1-based): chr2:71,669,613, T>C. VCF-style: chr2-71669613-T-C. GRCh37 (hg19) VCF-style: chr2-71896743-T-C.
Other names: c.5537T>C, p.Ile1846Thr (NM_001130455.2); c.5492T>C, p.Ile1831Thr (NM_001130976.2); c.5555T>C, p.Ile1852Thr (NM_001130977.2); c.5597T>C, p.Ile1866Thr (NM_001130978.2); c.5627T>C, p.Ile1876Thr (NM_001130979.2); c.5585T>C, p.Ile1862Thr (NM_001130980.2); c.5648T>C, p.Ile1883Thr (NM_001130981.2); c.5630T>C, p.Ile1877Thr (NM_001130982.2); and 6 more; short protein forms I1845T, I1846T, I1853T, I1862T, I1852T, I1876T, I1884T, I1831T.
Identifiers: ClinVar variation 2197063 (VCV002197063.3), dbSNP rs1176671310, ClinGen allele CA347223389.

ClinVar aggregate classification (germline): Uncertain significance. Review status: criteria provided, multiple submitters, no conflicts (2 of 4 stars). 2 submissions from 2 submitters: Uncertain significance (2). Last evaluated 2025-08-30.

Conditions:
Inborn genetic diseases. Identifiers: MedGen C0950123, MeSH D030342.
Neuromuscular disease caused by qualitative or quantitative defects of dysferlin. Also called: Dysferlinopathy; Qualitative or quantitative defects of dysferlin. Identifiers: Orphanet 207073, MedGen C2931687, MONDO:0016145.

Allele frequency attached by ClinVar (database versions not stated): gnomAD exomes below 0.00001; TOPMed 0.00002; gnomAD 0.00004.
gnomAD v4.1: 13 of 1,614,078 alleles (0.00081%); highest among the groups gnomAD compares: African/African-American, 0.0067%; no homozygotes.

Submissions (2):

Ambry Genetics
Classification: Uncertain significance for Inborn genetic diseases. Last evaluated: 2025-08-30. Review status: criteria provided, single submitter. Criteria: Ambry Variant Classification Scheme 2023. Collection method: clinical testing. Allele origin: germline.

Labcorp Genetics (formerly Invitae), Labcorp
Classification: Uncertain significance for Neuromuscular disease caused by qualitative or quantitative defects of dysferlin. Last evaluated: 2021-10-14. Review status: criteria provided, single submitter. Criteria: Invitae Variant Classification Sherloc (09022015). Collection method: clinical testing. Allele origin: germline.
Comment: This sequence change replaces isoleucine with threonine at codon 1845 of the DYSF protein (p.Ile1845Thr). The isoleucine residue is weakly conserved and there is a moderate physicochemical difference between isoleucine and threonine. This variant is not present in population databases (ExAC no frequency). This variant has not been reported in the literature in individuals affected with DYSF-related conditions. Advanced modeling of protein sequence and biophysical properties (such as structural, functional, and spatial information, amino acid conservation, physicochemical variation, residue mobility, and thermodynamic stability) performed at Invitae indicates that this missense variant is not expected to disrupt DYSF protein function. In summary, the available evidence is currently insufficient to determine the role of this variant in disease. Therefore, it has been classified as a Variant of Uncertain Significance.